The following is an entry in ClinVar:

ClinVar aggregate classification (germline): Pathogenic. Review status: criteria provided, multiple submitters, no conflicts (2 of 4 stars). 4 submissions from 4 submitters: Pathogenic (4). Last evaluated 2026-08-10.

Conditions:
Inborn genetic diseases. Identifiers: MedGen C0950123, MeSH D030342.
Developmental and epileptic encephalopathy, 33 (DEE33). Also called: Epileptic encephalopathy, early infantile, 33. Identifiers: Orphanet 442835, MedGen C4225337, MONDO:0014625, OMIM 616409.

Submissions (4):

Ambry Genetics
Classification: Pathogenic for Inborn genetic diseases. Last evaluated: 2026-08-10. Review status: criteria provided, single submitter. Criteria: Ambry Variant Classification Scheme 2023. Collection method: clinical testing. Allele origin: germline.
Comment: The c.1267C>T (p.R423C) alteration is located in exon 8 (coding exon 7) of the EEF1A2 gene. This alteration results from a C to T substitution at nucleotide position 1267, causing the arginine (R) at amino acid position 423 to be replaced by a cysteine (C). This variant was not reported in population-based cohorts in the Genome Aggregation Database (gnomAD). This variant was determined to be de novo in at least one individual with features consistent with EEF1A2-related neurodevelopmental disorder (Lam, 2016; Retterer, 2016; Ostrander, 2018; Ambry internal data). This amino acid position is highly conserved in available vertebrate species. This missense variant is located in a region that has a low rate of benign missense variation (Lek, 2016; Firth, 2009). The in silico prediction for this alteration is inconclusive. Based on the available evidence, this alteration is classified as pathogenic.

Labcorp Genetics (formerly Invitae), Labcorp
Classification: Pathogenic for Developmental and epileptic encephalopathy, 33. Last evaluated: 2022-09-07. Review status: criteria provided, single submitter. Criteria: Invitae Variant Classification Sherloc (09022015). Collection method: clinical testing. Allele origin: germline.
Comment: For these reasons, this variant has been classified as Pathogenic. This sequence change replaces arginine, which is basic and polar, with cysteine, which is neutral and slightly polar, at codon 423 of the EEF1A2 protein (p.Arg423Cys). This variant is not present in population databases (gnomAD no frequency). This missense change has been observed in individual(s) with clinical features of EEF1A2-related conditions (PMID: 27441201, 28911200, 30109124). In at least one individual the variant was observed to be de novo. ClinVar contains an entry for this variant (Variation ID: 265111). Algorithms developed to predict the effect of missense changes on protein structure and function are either unavailable or do not agree on the potential impact of this missense change (SIFT: "Deleterious"; PolyPhen-2: "Benign"; Align-GVGD: "Class C0").

CeGaT Center for Human Genetics Tuebingen
Classification: Pathogenic. Last evaluated: 2022-01-01. Review status: criteria provided, single submitter. Criteria: CeGaT Center For Human Genetics Tuebingen Variant Classification Criteria Version 2. Collection method: clinical testing. Allele origin: germline. Affected: yes. Observed: 1 variant allele.

GeneDx
Classification: Pathogenic. Last evaluated: 2020-12-31. Review status: criteria provided, single submitter. Criteria: GeneDx Variant Classification Process June 2021. Collection method: clinical testing. Allele origin: germline. Affected: yes.
Comment: Published functional studies demonstrate a damaging effect (impaired protein synthesis) (Carvill et al., 2020); Not observed in large population cohorts (Lek et al., 2016); This variant is associated with the following publications: (PMID: 26633542, 30377530, 12869201, 27441201, 30109124, 32196822, 28911200, 30370994, 32062104, 31477274)

Literature cited by the submitters: PubMed 26633542 (cited by Ambry Genetics); PubMed 27441201 (cited by Ambry Genetics and Labcorp Genetics (formerly Invitae), Labcorp); PubMed 30109124 (cited by Ambry Genetics and Labcorp Genetics (formerly Invitae), Labcorp); PubMed 28911200 (cited by Labcorp Genetics (formerly Invitae), Labcorp).

NM_001958.5(EEF1A2):c.1267C>T (p.Arg423Cys)

Gene: EEF1A2 (eukaryotic translation elongation factor 1 alpha 2; minus strand). Cytogenetic location: 20q13.33.
Variant type: single nucleotide variant.
Coding change: c.1267C>T on transcript NM_001958.5 (MANE Select); coding-DNA position 1267, C replaced by T.
Protein change: p.Arg423Cys; replaces arginine 423 with cysteine.
Molecular consequence: missense variant.
Genome position (GRCh38, 1-based): chr20:63,488,423, G>A on the plus strand (C>T on the coding strand, the complement: EEF1A2 is on the minus strand). VCF-style: chr20-63488423-G-A. GRCh37 (hg19) VCF-style: chr20-62119776-G-A.
Other names: short protein forms R423C.
Identifiers: ClinVar variation 265111 (VCV000265111.48), dbSNP rs886039346, ClinGen allele CA10588706.
Genomic context (GRCh38, chr20:63,488,423, plus strand): 5'-TCTCCACGTTCTTGATGACGCCTACGGCCACCGTCTGCCTCATGTCGCGCACGGCGAAGC[G>A]GCCTGGGGGGCGGGGGGCGGCGTGTGGGCGGGGCCGGAGGACTTGACCCCCCCCAACCCC-3'
Protein context (NP_001949.1, residues 413-433): ESFSQYPPLG[Arg423Cys]FAVRDMRQTV